The following is an entry in ClinVar:

ClinVar aggregate classification (germline): Uncertain significance (1 of 4 stars; one submission).

gnomAD v4.1: 7 of 1,613,688 alleles (0.00043%); highest among the groups gnomAD compares: South Asian, 0.0077%; no homozygotes.

Submission:

GeneDx
Classification: Uncertain significance. Last evaluated: 2024-11-27. Review status: criteria provided, single submitter. Criteria: GeneDx Variant Classification Process June 2021. Collection method: clinical testing. Allele origin: germline. Affected: yes.
Comment: In silico analysis indicates that this missense variant does not alter protein structure/function; Has not been previously published as pathogenic or benign to our knowledge

NM_020987.5(ANK3):c.11147C>T (p.Pro3716Leu)

Gene: ANK3 (ankyrin 3; minus strand). Cytogenetic location: 10q21.2.
Variant type: single nucleotide variant.
Coding change: c.11147C>T on transcript NM_020987.5 (MANE Select); coding-DNA position 11147, C replaced by T.
Protein change: p.Pro3716Leu; replaces proline 3716 with leucine.
Molecular consequence: missense variant. On other transcripts: intron variant (4).
Genome position (GRCh38, 1-based): chr10:60,069,734, G>A on the plus strand (C>T on the coding strand, the complement: ANK3 is on the minus strand). VCF-style: chr10-60069734-G-A. GRCh37 (hg19) VCF-style: chr10-61829492-G-A.
Other names: c.4388-1725C>T (NM_001204403.2); c.4409-1725C>T (NM_001204404.2); c.4406-1725C>T (NM_001320874.2); c.1808-1725C>T (NM_001149.4); short protein forms P3716L.
Identifiers: ClinVar variation 3900805 (VCV003900805.1).